The following is an entry in ClinVar:

ClinVar aggregate classification (germline): Likely benign (1 of 4 stars; one submission).

Submission:

GeneDx
Classification: Likely benign. Last evaluated: 2018-06-19. Review status: criteria provided, single submitter. Criteria: GeneDx Variant Classification (06012015). Collection method: clinical testing. Allele origin: germline. Affected: yes.
Comment: This variant is considered likely benign or benign based on one or more of the following criteria: it is a conservative change, it occurs at a poorly conserved position in the protein, it is predicted to be benign by multiple in silico algorithms, and/or has population frequency not consistent with disease.

NM_000814.6(GABRB3):c.461+147_461+148dup

Gene: GABRB3 (gamma-aminobutyric acid type A receptor subunit beta3; minus strand). Cytogenetic location: 15q12.
Variant type: Duplication.
Coding change: c.461+147_461+148dup on transcript NM_000814.6 (MANE Select); bases 147 to 148 of the intron after coding-DNA position 461, 2 bases duplicated (AA; older notation c.461+147_461+148dupAA).
Molecular consequence: intron variant.
Genome position (GRCh38, 1-based): chr15:26,621,166-26,621,167, TT duplicated on the plus strand (AA on the coding strand, the reverse complement: GABRB3 is on the minus strand); duplicating any 2 consecutive bases within chr15:26,621,166-26,621,174 gives the same sequence; the c. name uses the placement nearest the transcript's 3' end. VCF-style (leftmost placement, unchanged base first): chr15-26621165-A-ATT. GRCh37 (hg19) VCF-style: chr15-26866312-A-ATT.
Other names: c.461+147_461+148dup (NM_021912.5); c.206+147_206+148dup (NM_001278631.2, NM_001191320.2); c.248+147_248+148dup (NM_001191321.3).
Identifiers: ClinVar variation 680289 (VCV000680289.1), dbSNP rs5811434, ClinGen allele CA616941939.
Genomic context (GRCh38, chr15:26,621,165, plus strand): 5'-TTTTCAACTGCTTGTGACTATTTACAGTAACAGTAATGCCCCAAATTTTATGGTTATGAG[A>ATT]TTTTTTTTTCTGCAAAGCTTTAGTGCTTCATAGATGCTTCCTAATTTATCTGAGGTCATT-3'